The following is an entry in ClinVar:

NM_173494.2(DNAAF6):c.488C>A (p.Thr163Lys)

Gene: DNAAF6 (dynein axonemal assembly factor 6; plus strand). Cytogenetic location: Xq22.3.
Variant type: single nucleotide variant.
Coding change: c.488C>A on transcript NM_173494.2 (MANE Select); coding-DNA position 488, C replaced by A.
Protein change: p.Thr163Lys; replaces threonine 163 with lysine.
Molecular consequence: missense variant.
Genome position (GRCh38, 1-based): chrX:107,238,980, C>A. VCF-style: chrX-107238980-C-A. GRCh37 (hg19) VCF-style: chrX-106482210-C-A.
Other names: c.488C>A, p.Thr163Lys (NM_001169154.2); short protein forms T163K.
Identifiers: ClinVar variation 3605262 (VCV003605262.2).

ClinVar aggregate classification (germline): Uncertain significance (1 of 4 stars; one submission).

gnomAD v4.1: 2 of 1,210,135 alleles (0.00017%); highest among the groups gnomAD compares: Admixed American, 0.0022%; no homozygotes.

Submission:

Labcorp Genetics (formerly Invitae), Labcorp
Classification: Uncertain significance. Last evaluated: 2024-03-10. Review status: criteria provided, single submitter. Criteria: Invitae Variant Classification Sherloc (09022015). Collection method: clinical testing. Allele origin: germline.
Comment: This sequence change replaces threonine, which is neutral and polar, with lysine, which is basic and polar, at codon 163 of the PIH1D3 protein (p.Thr163Lys). The frequency data for this variant in the population databases is considered unreliable, as metrics indicate poor data quality at this position in the gnomAD database. This variant has not been reported in the literature in individuals affected with PIH1D3-related conditions. Algorithms developed to predict the effect of missense changes on protein structure and function output the following: SIFT: "Not Available"; PolyPhen-2: "Benign"; Align-GVGD: "Not Available". The lysine amino acid residue is found in multiple mammalian species, which suggests that this missense change does not adversely affect protein function. In summary, the available evidence is currently insufficient to determine the role of this variant in disease. Therefore, it has been classified as a Variant of Uncertain Significance.